The following is an entry in ClinVar:

ClinVar aggregate classification (germline): Uncertain significance (1 of 4 stars; one submission).

Conditions:
Inborn genetic diseases. Identifiers: MedGen C0950123, MeSH D030342.

Allele frequency attached by ClinVar (database versions not stated): gnomAD exomes below 0.00001; TOPMed below 0.00001.
gnomAD v4.1: 1 of 1,614,034 alleles (0.000062%); highest among the groups gnomAD compares: Non-Finnish European, 0.000085%; no homozygotes.

Submission:

Ambry Genetics
Classification: Uncertain significance for Inborn genetic diseases. Last evaluated: 2021-06-11. Review status: criteria provided, single submitter. Criteria: Ambry Variant Classification Scheme 2023. Collection method: clinical testing. Allele origin: germline.
Comment: The c.8458A>G (p.I2820V) alteration is located in exon 46 (coding exon 45) of the VPS13B gene. This alteration results from a A to G substitution at nucleotide position 8458, causing the isoleucine (I) at amino acid position 2820 to be replaced by a valine (V). The p.I2820V alteration is predicted to be tolerated by in silico analysis. Based on insufficient or conflicting evidence, the clinical significance of this alteration remains unclear.

NM_152564.5(VPS13B):c.8383A>G (p.Ile2795Val)

Gene: VPS13B (vacuolar protein sorting 13 homolog B; plus strand). Cytogenetic location: 8q22.2.
Variant type: single nucleotide variant.
Coding change: c.8383A>G on transcript NM_152564.5 (MANE Select); coding-DNA position 8383, A replaced by G.
Protein change: p.Ile2795Val; replaces isoleucine 2795 with valine.
Molecular consequence: missense variant.
Genome position (GRCh38, 1-based): chr8:99,818,472, A>G. VCF-style: chr8-99818472-A-G. GRCh37 (hg19) VCF-style: chr8-100830700-A-G.
Other names: c.8458A>G, p.Ile2820Val (NM_017890.5); short protein forms I2795V, I2820V.
Identifiers: ClinVar variation 2230733 (VCV002230733.2), dbSNP rs768899813, ClinGen allele CA182327904.